The following is an entry in ClinVar:

NM_020433.5(JPH2):c.1092G>T (p.Gln364His)

Gene: JPH2 (junctophilin 2; minus strand). Cytogenetic location: 20q13.12.
Variant type: single nucleotide variant.
Coding change: c.1092G>T on transcript NM_020433.5 (MANE Select); coding-DNA position 1092, G replaced by T.
Protein change: p.Gln364His; replaces glutamine 364 with histidine.
Molecular consequence: missense variant.
Genome position (GRCh38, 1-based): chr20:44,159,695, C>A on the plus strand (G>T on the coding strand, the complement: JPH2 is on the minus strand). VCF-style: chr20-44159695-C-A. GRCh37 (hg19) VCF-style: chr20-42788335-C-A.
Other names: short protein forms Q364H.
Identifiers: ClinVar variation 4720256 (VCV004720256.1).

ClinVar aggregate classification (germline): Uncertain significance (1 of 4 stars; one submission).

Conditions:
Hypertrophic cardiomyopathy. Also called: HYPERTROPHIC MYOCARDIOPATHY. Identifiers: Orphanet 217569, MedGen C0007194, MeSH D002312, MONDO:0005045, HP:0001639.

Submission:

Labcorp Genetics (formerly Invitae), Labcorp
Classification: Uncertain significance for Hypertrophic cardiomyopathy. Last evaluated: 2025-05-26. Review status: criteria provided, single submitter. Criteria: Invitae Variant Classification Sherloc (09022015). Collection method: clinical testing. Allele origin: germline.
Comment: This sequence change replaces glutamine, which is neutral and polar, with histidine, which is basic and polar, at codon 364 of the JPH2 protein (p.Gln364His). This variant is not present in population databases (gnomAD no frequency). This variant has not been reported in the literature in individuals affected with JPH2-related conditions. An algorithm developed to predict the effect of missense changes on protein structure and function (PolyPhen-2) suggests that this variant is likely to be tolerated. In summary, the available evidence is currently insufficient to determine the role of this variant in disease. Therefore, it has been classified as a Variant of Uncertain Significance.